The following is an entry in ClinVar:

ClinVar aggregate classification (germline): Likely pathogenic. Review status: criteria provided, multiple submitters, no conflicts (2 of 4 stars). 2 submissions from 2 submitters: Likely pathogenic (2). Last evaluated 2025-03-03.

Conditions:
Bardet-Biedl syndrome 14 (BBS14). Identifiers: Orphanet 110, MedGen C2673874, MONDO:0014442, OMIM 615991.
Leber congenital amaurosis (LCA). Also called: Leber's amaurosis. Identifiers: Orphanet 65, MedGen C0339527, MeSH D057130, MONDO:0018998.

Submissions (2):

Natera, Inc.
Classification: Likely pathogenic for Leber congenital amaurosis. Last evaluated: 2025-03-03. Review status: criteria provided, single submitter. Criteria: Natera Variant Classification Schema (03/2026). Collection method: clinical testing. Allele origin: germline.
Comment: The c.3799del variant in CEP290 is a frameshift variant predicted to shift the reading frame beginning at codon 1267 and leads to a stop codon 24 codons downstream. This variant is expected to result in nonsense mediated decay, truncation, or a dysfunctional protein product. This variant is rare in the general population with a frequency below the threshold expected for the associated phenotype(s). Given the available evidence, this variant is classified as Likely Pathogenic.

Baylor Genetics
Classification: Likely pathogenic for Bardet-Biedl syndrome 14. Last evaluated: 2022-11-15. Review status: criteria provided, single submitter. Criteria: ACMG Guidelines, 2015. Collection method: clinical testing. Allele origin: unknown.

NM_025114.4(CEP290):c.3799del (p.Ile1267fs)

Gene: CEP290 (centrosomal protein 290; minus strand). Cytogenetic location: 12q21.32.
Variant type: Deletion.
Coding change: c.3799del on transcript NM_025114.4 (MANE Select); coding-DNA position 3799, one base deleted (A; older notation c.3799delA).
Protein change: p.Ile1267fs; shifts the reading frame from isoleucine 1267.
Molecular consequence: frameshift variant.
Genome position (GRCh38, 1-based): chr12:88,089,262, T deleted on the plus strand (A on the coding strand, the reverse complement: CEP290 is on the minus strand); the first of 2 consecutive T bases (chr12:88,089,262-88,089,263); deleting either gives the same sequence. VCF-style (leftmost placement, unchanged base first): chr12-88089261-AT-A. GRCh37 (hg19) VCF-style: chr12-88483038-AT-A.
Other names: c.3799del (NM_025114.3); short protein forms I1267fs.
Identifiers: ClinVar variation 2680644 (VCV002680644.2), dbSNP rs2500108266, ClinGen allele CA2695199152.